The following is an entry in ClinVar:

ClinVar aggregate classification (germline): Uncertain significance (1 of 4 stars; one submission).

Conditions:
Hereditary cancer-predisposing syndrome. Also called: Tumor predisposition; Hereditary neoplastic syndrome; Hereditary Cancer Syndrome; Neoplastic Syndromes, Hereditary. Identifiers: Orphanet 140162, MedGen C0027672, MeSH D009386, MONDO:0015356.

Submission:

Ambry Genetics
Classification: Uncertain significance for Hereditary cancer-predisposing syndrome. Last evaluated: 2025-04-28. Review status: criteria provided, single submitter. Criteria: Ambry Variant Classification Scheme 2023. Collection method: clinical testing. Allele origin: germline.
Comment: The p.L629V variant (also known as c.1885C>G), located in coding exon 12 of the RAD50 gene, results from a C to G substitution at nucleotide position 1885. The leucine at codon 629 is replaced by valine, an amino acid with highly similar properties. This amino acid position is conserved. In addition, this alteration is predicted to be tolerated by in silico analysis. Based on the available evidence, the clinical significance of this variant remains unclear.

NM_005732.4(RAD50):c.1885C>G (p.Leu629Val)

Gene: RAD50 (RAD50 double strand break repair protein; plus strand). Cytogenetic location: 5q31.1.
Variant type: single nucleotide variant.
Coding change: c.1885C>G on transcript NM_005732.4 (MANE Select); coding-DNA position 1885, C replaced by G.
Protein change: p.Leu629Val; replaces leucine 629 with valine.
Molecular consequence: missense variant.
Genome position (GRCh38, 1-based): chr5:132,594,960, C>G. VCF-style: chr5-132594960-C-G. GRCh37 (hg19) VCF-style: chr5-131930652-C-G.
Other names: short protein forms L629V.
Identifiers: ClinVar variation 3942175 (VCV003942175.1).
Genomic context (GRCh38, chr5:132,594,960, plus strand): 5'-AATCATATAAATAATGAACTAAAAAGAAAGGAAGAGCAGTTGTCCAGTTACGAAGACAAG[C>G]TGTTTGATGTTTGTGGTAGCCAGGATTTTGAAAGTGATTTAGACAGGCTTAAAGAGGAAA-3'
Protein context (NP_005723.2, residues 619-639): EEQLSSYEDK[Leu629Val]FDVCGSQDFE